The following is an entry in ClinVar:

ClinVar aggregate classification (germline): Pathogenic. Review status: criteria provided, multiple submitters, no conflicts (2 of 4 stars). 5 submissions from 4 submitters: Pathogenic (5). Last evaluated 2024-10-26.

Conditions:
Hypoprebetalipoproteinemia, acanthocytosis, retinitis pigmentosa, and pallidal degeneration. Identifiers: MedGen C1846582, MONDO:0011798.
Pigmentary pallidal degeneration (NBIA1). Also called: PKAN NEUROAXONAL DYSTROPHY, JUVENILE-ONSET; Pantothenate Kinase-Associated Neurodegeneration; Neuroaxonal dystrophy, late infantile; Hallervorden-Spatz disease; Neurodegeneration with brain iron accumulation 1; HARP SYNDROME. Identifiers: Orphanet 157850, MedGen C0018523, MONDO:0009319, OMIM 234200.
Neurodegeneration. Also called: Neurodegenerative disease; Neurodegenerative illness; neurodegenerative disorder. Identifiers: MedGen C0027746, MONDO:0005559, HP:0002180.

Allele frequency attached by ClinVar (database versions not stated): ExAC 0.00001; gnomAD exomes 0.00001 and 0.00002; TOPMed 0.00001.

Submissions (5):

Labcorp Genetics (formerly Invitae), Labcorp
Classification: Pathogenic for Pigmentary pallidal degeneration. Last evaluated: 2024-10-26. Review status: criteria provided, single submitter. Criteria: Invitae Variant Classification Sherloc (09022015). Collection method: clinical testing. Allele origin: germline.
Comment: This sequence change replaces arginine, which is basic and polar, with tryptophan, which is neutral and slightly polar, at codon 357 of the PANK2 protein (p.Arg357Trp). This variant is present in population databases (rs753376100, gnomAD 0.01%). This missense change has been observed in individual(s) with clinical features of pantothenate kinase-associated neurodegeneration (PMID: 16437574, 23166001, 28680084, 29801903). It has also been observed to segregate with disease in related individuals. ClinVar contains an entry for this variant (Variation ID: 374127). Invitae Evidence Modeling of protein sequence and biophysical properties (such as structural, functional, and spatial information, amino acid conservation, physicochemical variation, residue mobility, and thermodynamic stability) has been performed for this missense variant. However, the output from this modeling did not meet the statistical confidence thresholds required to predict the impact of this variant on PANK2 protein function. This variant disrupts the p.Arg357 amino acid residue in PANK2. Other variant(s) that disrupt this residue have been determined to be pathogenic (PMID: 15911822; internal data). This suggests that this residue is clinically significant, and that variants that disrupt this residue are likely to be disease-causing. For these reasons, this variant has been classified as Pathogenic.

Fulgent Genetics
Classification: Pathogenic for Pigmentary pallidal degeneration. Last evaluated: 2024-04-11. Review status: criteria provided, single submitter. Criteria: ACMG Guidelines, 2015. Collection method: clinical testing. Allele origin: germline.

Women's Health and Genetics/Laboratory Corporation of America, LabCorp
Classification: Pathogenic for Pigmentary pallidal degeneration. Last evaluated: 2023-10-04. Review status: criteria provided, single submitter. Criteria: LabCorp Variant Classification Summary - May 2015. Collection method: clinical testing. Allele origin: germline.
Comment: Variant summary: PANK2 c.1069C>T (p.Arg357Trp) results in a non-conservative amino acid change in the encoded protein sequence. Five of five in-silico tools predict a damaging effect of the variant on protein function. The variant allele was found at a frequency of 1.6e-05 in 251370 control chromosomes. c.1069C>T has been reported, at a homozygous state, in the literature in multiple individuals affected with Pantothenate Kinase-Associated Neurodegeneration (examples, Valentino_2006, Hartig_2006, Dezfouli_2012, Angural_2017). These data indicate that the variant is very likely to be associated with disease. To our knowledge, no experimental evidence demonstrating an impact on protein function has been reported. The following publications have been ascertained in the context of this evaluation (PMID: 28680084, 24250886, 16437574, 16149094). Two submitters have cited clinical-significance assessments for this variant to ClinVar after 2014. Both submitters classified the variant as pathogenic. Based on the evidence outlined above, the variant was classified as pathogenic.

Centre for Mendelian Genomics, University Medical Centre Ljubljana
Classification: Pathogenic for Pigmentary pallidal degeneration. Last evaluated: 2016-01-01. Review status: criteria provided, single submitter. Criteria: ACMG Guidelines, 2015. Collection method: clinical testing. Allele origin: unknown. Affected: yes.
Comment: This variant was classified as: Pathogenic.

Centre for Mendelian Genomics, University Medical Centre Ljubljana
Classification: Pathogenic for Neurodegeneration. Last evaluated: 2015-04-01. Review status: criteria provided, single submitter. Criteria: ACMG Guidelines, 2015. Collection method: clinical testing. Allele origin: unknown. Affected: yes.

Literature cited by the submitters: PubMed 16437574 (cited by Labcorp Genetics (formerly Invitae), Labcorp and Women's Health and Genetics/Laboratory Corporation of America, LabCorp); PubMed 23166001 (cited by Labcorp Genetics (formerly Invitae), Labcorp); PubMed 28680084 (cited by Labcorp Genetics (formerly Invitae), Labcorp and Women's Health and Genetics/Laboratory Corporation of America, LabCorp); PubMed 29801903 (cited by Labcorp Genetics (formerly Invitae), Labcorp); PubMed 15911822 (cited by Labcorp Genetics (formerly Invitae), Labcorp); PubMed 24250886 (cited by Women's Health and Genetics/Laboratory Corporation of America, LabCorp); PubMed 16149094 (cited by Women's Health and Genetics/Laboratory Corporation of America, LabCorp).

NM_001386393.1(PANK2):c.739C>T (p.Arg247Trp)

Gene: PANK2 (pantothenate kinase 2; plus strand). Cytogenetic location: 20p13.
Variant type: single nucleotide variant.
Coding change: c.739C>T on transcript NM_001386393.1 (MANE Select); coding-DNA position 739, C replaced by T.
Protein change: p.Arg247Trp; replaces arginine 247 with tryptophan.
Molecular consequence: missense variant. On other transcripts: 5 prime UTR variant (1), non-coding transcript variant (1).
Genome position (GRCh38, 1-based): chr20:3,910,664, C>T. VCF-style: chr20-3910664-C-T. GRCh37 (hg19) VCF-style: chr20-3891311-C-T.
Other names: c.196C>T, p.Arg66Trp (NM_001324191.2, NM_024960.6, NM_153640.4); c.-240C>T (NM_001324193.2); c.1069C>T, p.Arg357Trp (NM_153638.4); short protein forms R357W, R66W, R247W.
Identifiers: ClinVar variation 374127 (VCV000374127.10), dbSNP rs753376100, ClinGen allele CA9750761.